The following is an entry in ClinVar:

ClinVar aggregate classification (germline): Uncertain significance (1 of 4 stars; one submission).

Conditions:
Norman-Roberts syndrome (LIS2). Also called: Lissencephaly 2 (Norman-Roberts type). Identifiers: Orphanet 89844, MedGen C0796089, MONDO:0009760, OMIM 257320.
Familial temporal lobe epilepsy 7. Identifiers: Orphanet 101046, MedGen C4225327, MONDO:0014639, OMIM 616436.

Allele frequency attached by ClinVar (database versions not stated): gnomAD exomes 0.00001.
gnomAD v4.1: 10 of 1,613,196 alleles (0.00062%); highest among the groups gnomAD compares: Non-Finnish European, 0.00085%; no homozygotes.

Submission:

Labcorp Genetics (formerly Invitae), Labcorp
Classification: Uncertain significance for Familial temporal lobe epilepsy 7; Norman-Roberts syndrome. Last evaluated: 2023-03-17. Review status: criteria provided, single submitter. Criteria: Invitae Variant Classification Sherloc (09022015). Collection method: clinical testing. Allele origin: germline.
Comment: In summary, the available evidence is currently insufficient to determine the role of this variant in disease. Therefore, it has been classified as a Variant of Uncertain Significance. Algorithms developed to predict the effect of sequence changes on RNA splicing suggest that this variant may disrupt the consensus splice site. This variant has not been reported in the literature in individuals affected with RELN-related conditions. This variant is not present in population databases (gnomAD no frequency). This sequence change falls in intron 38 of the RELN gene. It does not directly change the encoded amino acid sequence of the RELN protein.

NM_005045.4(RELN):c.5798-10A>G

Gene: RELN (reelin; minus strand). Cytogenetic location: 7q22.1.
Variant type: single nucleotide variant.
Coding change: c.5798-10A>G on transcript NM_005045.4 (MANE Select); 10 bases into the intron before coding-DNA position 5798, A replaced by G.
Molecular consequence: intron variant.
Genome position (GRCh38, 1-based): chr7:103,553,841, T>C on the plus strand (A>G on the coding strand, the complement: RELN is on the minus strand). VCF-style: chr7-103553841-T-C. GRCh37 (hg19) VCF-style: chr7-103194288-T-C.
Other names: c.5798-10A>G (NM_173054.3).
Identifiers: ClinVar variation 2921505 (VCV002921505.3), dbSNP rs2484721994, ClinGen allele CA2684360079.
Genomic context (GRCh38, chr7:103,553,841, plus strand): 5'-TATTTCCATCGATAATGAAGTCATCAACAATCCAGATTTCTTCTTTCTTACCTAAGGCAT[T>C]TTTGGATAAAGCAAGTTTTTCCAGTGATGAAAATCAAATGAACACTTTTGCTCATTGAAA-3'